The following is an entry in ClinVar:

NM_016604.4(KDM3B):c.962G>T (p.Arg321Leu)

Gene: KDM3B (lysine demethylase 3B; plus strand). Cytogenetic location: 5q31.2.
Variant type: single nucleotide variant.
Coding change: c.962G>T on transcript NM_016604.4 (MANE Select); coding-DNA position 962, G replaced by T.
Protein change: p.Arg321Leu; replaces arginine 321 with leucine.
Molecular consequence: missense variant.
Genome position (GRCh38, 1-based): chr5:138,386,203, G>T. VCF-style: chr5-138386203-G-T. GRCh37 (hg19) VCF-style: chr5-137721892-G-T.
Other names: short protein forms R321L.
Identifiers: ClinVar variation 1804487 (VCV001804487.1), dbSNP rs778725552, ClinGen allele CA361100340.

ClinVar aggregate classification (germline): Uncertain significance (1 of 4 stars; one submission).

Submission:

GeneDx
Classification: Uncertain significance. Last evaluated: 2022-06-16. Review status: criteria provided, single submitter. Criteria: GeneDx Variant Classification Process June 2021. Collection method: clinical testing. Allele origin: germline. Affected: yes.
Comment: Not observed at significant frequency in large population cohorts (gnomAD); In silico analysis supports that this missense variant does not alter protein structure/function; Has not been previously published as pathogenic or benign to our knowledge